The following is an entry in ClinVar:

ClinVar aggregate classification (germline): Uncertain significance (1 of 4 stars; one submission).

Conditions:
Intellectual developmental disorder, X-linked 1. Also called: Atkin Flaitz Patil Smith syndrome; Intellectual disability, X-linked 1; MENTAL RETARDATION, X-LINKED 18; MENTAL RETARDATION, X-LINKED 78. Identifiers: Orphanet 777, MedGen C2931498, MONDO:0010656, OMIM 309530.

Submission:

Labcorp Genetics (formerly Invitae), Labcorp
Classification: Uncertain significance for Intellectual developmental disorder, X-linked 1. Last evaluated: 2020-10-16. Review status: criteria provided, single submitter. Criteria: Invitae Variant Classification Sherloc (09022015). Collection method: clinical testing. Allele origin: germline.
Comment: This variant has not been reported in the literature in individuals with IQSEC2-related conditions. The frequency data for this variant in the population databases is considered unreliable, as metrics indicate insufficient coverage at this position in the ExAC database. This sequence change replaces serine with leucine at codon 1312 of the IQSEC2 protein (p.Ser1312Leu). The serine residue is weakly conserved and there is a large physicochemical difference between serine and leucine. In summary, the available evidence is currently insufficient to determine the role of this variant in disease. Therefore, it has been classified as a Variant of Uncertain Significance. Advanced modeling of protein sequence and biophysical properties (such as structural, functional, and spatial information, amino acid conservation, physicochemical variation, residue mobility, and thermodynamic stability) performed at Invitae indicates that this missense variant is not expected to disrupt IQSEC2 protein function.

NM_001111125.3(IQSEC2):c.3935C>T (p.Ser1312Leu)

Gene: IQSEC2 (IQ motif and Sec7 domain ArfGEF 2; minus strand). Cytogenetic location: Xp11.22.
Variant type: single nucleotide variant.
Coding change: c.3935C>T on transcript NM_001111125.3 (MANE Select); coding-DNA position 3935, C replaced by T.
Protein change: p.Ser1312Leu; replaces serine 1312 with leucine.
Molecular consequence: missense variant. On other transcripts: 3 prime UTR variant (1).
Genome position (GRCh38, 1-based): chrX:53,234,751, G>A on the plus strand (C>T on the coding strand, the complement: IQSEC2 is on the minus strand). VCF-style: chrX-53234751-G-A. GRCh37 (hg19) VCF-style: chrX-53263933-G-A.
Other names: c.*420C>T (NM_015075.2); short protein forms S1312L.
Identifiers: ClinVar variation 1017288 (VCV001017288.9), dbSNP rs2074099302, ClinGen allele CA413140101.